The following is an entry in ClinVar:

NM_017934.7(PHIP):c.5239GAT[3] (p.Asp1748_Pro1749insAsp)

Genes: IRAK1BP1 (interleukin 1 receptor associated kinase 1 binding protein 1; plus strand), PHIP (pleckstrin homology domain interacting protein; minus strand). Cytogenetic location: 6q14.1.
Variant type: Microsatellite.
Coding change: c.5239GAT[3] on transcript NM_017934.7 (MANE Select); three copies in a row of the 3-base unit GAT starting at c.5239; the reference has two copies in a row; one copy, 3 bases duplicated.
Protein change: p.Asp1748_Pro1749insAsp.
Molecular consequence: inframe insertion.
Genome position (GRCh38, 1-based): chr6:78,940,915-78,940,917, ATC duplicated on the plus strand (GAT on the coding strand, the reverse complement: PHIP is on the minus strand); duplicating any 3 consecutive bases within chr6:78,940,915-78,940,920 gives the same sequence; the position shown is the placement nearest the transcript's 3' end. VCF-style (leftmost placement, unchanged base first): chr6-78940914-G-GATC. GRCh37 (hg19) VCF-style: chr6-79650631-G-GATC.
Identifiers: ClinVar variation 3367986 (VCV003367986.1).

ClinVar aggregate classification (germline): Uncertain significance (1 of 4 stars; one submission).

Submission:

GeneDx
Classification: Uncertain significance. Last evaluated: 2024-01-16. Review status: criteria provided, single submitter. Criteria: GeneDx Variant Classification Process June 2021. Collection method: clinical testing. Allele origin: germline. Affected: yes.
Comment: Not observed at significant frequency in large population cohorts (gnomAD); In-frame duplication of 1 amino acid in a non-repeat region; Has not been previously published as pathogenic or benign to our knowledge